The following is an entry in ClinVar:

ClinVar aggregate classification (germline): Uncertain significance. Review status: criteria provided, multiple submitters, no conflicts (2 of 4 stars). 2 submissions from 2 submitters: Uncertain significance (2). Last evaluated 2025-10-10.

Allele frequency attached by ClinVar (database versions not stated): gnomAD 0.00001; TOPMed 0.00001; ExAC 0.00003.
gnomAD v4.1: 10 of 1,613,552 alleles (0.00062%); highest among the groups gnomAD compares: Non-Finnish European, 0.00085%; no homozygotes.

Submissions (2):

Labcorp Genetics (formerly Invitae), Labcorp
Classification: Uncertain significance. Last evaluated: 2025-10-10. Review status: criteria provided, single submitter. Criteria: Invitae Variant Classification Sherloc (09022015). Collection method: clinical testing. Allele origin: germline.
Comment: This sequence change replaces leucine, which is neutral and non-polar, with proline, which is neutral and non-polar, at codon 229 of the FBLN1 protein (p.Leu229Pro). This variant is present in population databases (rs760570023, gnomAD 0.004%). This variant has not been reported in the literature in individuals affected with FBLN1-related conditions. ClinVar contains an entry for this variant (Variation ID: 3093310). An algorithm developed to predict the effect of missense changes on protein structure and function (PolyPhen-2) suggests that this variant is likely to be disruptive. In summary, the available evidence is currently insufficient to determine the role of this variant in disease. Therefore, it has been classified as a Variant of Uncertain Significance.

Ambry Genetics
Classification: Uncertain significance. Last evaluated: 2023-11-29. Review status: criteria provided, single submitter. Criteria: Ambry Variant Classification Scheme 2023. Collection method: clinical testing. Allele origin: germline.

NM_006486.3(FBLN1):c.686T>C (p.Leu229Pro)

Gene: FBLN1 (fibulin 1; plus strand). Cytogenetic location: 22q13.31.
Variant type: single nucleotide variant.
Coding change: c.686T>C on transcript NM_006486.3 (MANE Select); coding-DNA position 686, T replaced by C.
Protein change: p.Leu229Pro; replaces leucine 229 with proline.
Molecular consequence: missense variant.
Genome position (GRCh38, 1-based): chr22:45,533,800, T>C. VCF-style: chr22-45533800-T-C. GRCh37 (hg19) VCF-style: chr22-45929680-T-C.
Other names: c.686T>C, p.Leu229Pro (NM_001996.4, NM_006485.4, NM_006487.3); short protein forms L229P.
Identifiers: ClinVar variation 3093310 (VCV003093310.2), dbSNP rs760570023, ClinGen allele CA10286682.
Genomic context (GRCh38, chr22:45,533,800, plus strand): 5'-CACTGCCTCGGTCTCTCCTAGATGTCAATGAATGCATCACGGGCAGCCACAGCTGCCGGC[T>C]TGGAGAATCCTGCATCAACACAGTGGGCTCTTTCCGCTGCCAGCGGGACAGCAGCTGCGG-3'
Protein context (NP_006477.3, residues 219-239): ECITGSHSCR[Leu229Pro]GESCINTVGS